The following is an entry in ClinVar:

ClinVar aggregate classification (germline): Uncertain significance (1 of 4 stars; one submission).

Conditions:
Hereditary spastic paraplegia 11. Also called: SPASTIC PARAPLEGIA, AUTOSOMAL RECESSIVE, COMPLICATED, WITH THIN CORPUS CALLOSUM; SPASTIC PARAPLEGIA, AUTOSOMAL RECESSIVE, WITH MENTAL IMPAIRMENT AND THIN CORPUS CALLOSUM; Spastic Paraplegia 11; Nakamura Osame syndrome; Autosomal recessive hereditary spastic paraplegia, mental impairment, and thin corpus callosum; Spastic paraplegia, mental retardation and thin corpus callosum. Identifiers: Orphanet 2822, MedGen C1858479, MONDO:0011445, OMIM 604360.

Submission:

Labcorp Genetics (formerly Invitae), Labcorp
Classification: Uncertain significance for Hereditary spastic paraplegia 11. Last evaluated: 2021-06-30. Review status: criteria provided, single submitter. Criteria: Invitae Variant Classification Sherloc (09022015). Collection method: clinical testing. Allele origin: germline.
Comment: This sequence change replaces glutamine with proline at codon 805 of the SPG11 protein (p.Gln805Pro). The glutamine residue is moderately conserved and there is a moderate physicochemical difference between glutamine and proline. This variant is not present in population databases (ExAC no frequency). This variant has not been reported in the literature in individuals with SPG11-related conditions. Algorithms developed to predict the effect of missense changes on protein structure and function output the following: SIFT: "Tolerated"; PolyPhen-2: "Benign"; Align-GVGD: "Class C0". The proline amino acid residue is found in multiple mammalian species, suggesting that this missense change does not adversely affect protein function. These predictions have not been confirmed by published functional studies and their clinical significance is uncertain. Algorithms developed to predict the effect of sequence changes on RNA splicing suggest that this variant may create or strengthen a splice site, but this prediction has not been confirmed by published transcriptional studies. In summary, the available evidence is currently insufficient to determine the role of this variant in disease. Therefore, it has been classified as a Variant of Uncertain Significance.

NM_025137.4(SPG11):c.2414A>C (p.Gln805Pro)

Gene: SPG11 (SPG11 vesicle trafficking associated, spatacsin; minus strand). Cytogenetic location: 15q21.1.
Variant type: single nucleotide variant.
Coding change: c.2414A>C on transcript NM_025137.4 (MANE Select); coding-DNA position 2414, A replaced by C.
Protein change: p.Gln805Pro; replaces glutamine 805 with proline.
Molecular consequence: missense variant.
Genome position (GRCh38, 1-based): chr15:44,622,250, T>G on the plus strand (A>C on the coding strand, the complement: SPG11 is on the minus strand). VCF-style: chr15-44622250-T-G. GRCh37 (hg19) VCF-style: chr15-44914448-T-G.
Other names: c.2414A>C, p.Gln805Pro (NM_001160227.2); short protein forms Q805P.
Identifiers: ClinVar variation 1363276 (VCV001363276.8), dbSNP rs2141028960, ClinGen allele CA392231883.